The following is an entry in ClinVar:

ClinVar aggregate classification (germline): Uncertain significance (1 of 4 stars; one submission).

Conditions:
Inborn genetic diseases. Identifiers: MedGen C0950123, MeSH D030342.

gnomAD v4.1: 2 of 1,614,154 alleles (0.00012%); highest among the groups gnomAD compares: Non-Finnish European, 0.00017%; no homozygotes.

Submission:

Ambry Genetics
Classification: Uncertain significance for Inborn genetic diseases. Last evaluated: 2025-04-12. Review status: criteria provided, single submitter. Criteria: Ambry Variant Classification Scheme 2023. Collection method: clinical testing. Allele origin: germline.
Comment: The p.A537D variant (also known as c.1610C>A), located in coding exon 8 of the MECOM gene, results from a C to A substitution at nucleotide position 1610. The alanine at codon 537 is replaced by aspartic acid, an amino acid with dissimilar properties. This amino acid position is conserved. In addition, the in silico prediction for this alteration is inconclusive. Based on the available evidence, the clinical significance of this variant remains unclear.

NM_004991.4(MECOM):c.1610C>A (p.Ala537Asp)

Gene: MECOM (MDS1 and EVI1 complex locus; minus strand). Cytogenetic location: 3q26.2.
Variant type: single nucleotide variant.
Coding change: c.1610C>A on transcript NM_004991.4 (MANE Select); coding-DNA position 1610, C replaced by A.
Protein change: p.Ala537Asp; replaces alanine 537 with aspartic acid.
Molecular consequence: missense variant. On other transcripts: intron variant (2).
Genome position (GRCh38, 1-based): chr3:169,116,262, G>T on the plus strand (C>A on the coding strand, the complement: MECOM is on the minus strand). VCF-style: chr3-169116262-G-T. GRCh37 (hg19) VCF-style: chr3-168834050-G-T.
Other names: c.1241C>A, p.Ala414Asp (NM_001105077.4); c.1046C>A, p.Ala349Asp (NM_001105078.4, NM_001164000.2, NM_001205194.2 and 4 more transcripts); c.1049C>A, p.Ala350Asp (NM_001163999.2, NM_001366467.2, NM_001366468.2 and 1 more transcripts); c.1610C>A, p.Ala537Asp (NM_001366466.2); c.1133-495C>A (NM_001366473.2); c.569-495C>A (NM_001366474.2); short protein forms A350D, A414D, A349D, A537D.
Identifiers: ClinVar variation 4053178 (VCV004053178.1).